The following is an entry in ClinVar:

ClinVar aggregate classification (germline): Uncertain significance (1 of 4 stars; one submission).

Conditions:
Inborn genetic diseases. Identifiers: MedGen C0950123, MeSH D030342.

Submission:

Ambry Genetics
Classification: Uncertain significance for Inborn genetic diseases. Last evaluated: 2026-09-02. Review status: criteria provided, single submitter. Criteria: Ambry Variant Classification Scheme 2023. Collection method: clinical testing. Allele origin: germline.
Comment: The p.P303A variant (also known as c.907C>G), located in coding exon 5 of the ETV6 gene, results from a C to G substitution at nucleotide position 907. The proline at codon 303 is replaced by alanine, an amino acid with highly similar properties. This amino acid position is conserved. In addition, this alteration is predicted to be tolerated by in silico analysis. Based on the available evidence, the clinical significance of this variant remains unclear.

NM_001987.5(ETV6):c.907C>G (p.Pro303Ala)

Gene: ETV6 (ETS variant transcription factor 6; plus strand). Cytogenetic location: 12p13.2.
Variant type: single nucleotide variant.
Coding change: c.907C>G on transcript NM_001987.5 (MANE Select); coding-DNA position 907, C replaced by G.
Protein change: p.Pro303Ala; replaces proline 303 with alanine.
Molecular consequence: missense variant.
Genome position (GRCh38, 1-based): chr12:11,869,867, C>G. VCF-style: chr12-11869867-C-G. GRCh37 (hg19) VCF-style: chr12-12022801-C-G.
Other names: c.904C>G, p.Pro302Ala (NM_001413913.1); c.880C>G, p.Pro294Ala (NM_001413914.1); c.643C>G, p.Pro215Ala (NM_001413915.1); c.907C>G, p.Pro303Ala (NM_001413916.1, NM_001413917.1); short protein forms P215A, P294A, P302A, P303A.
Identifiers: ClinVar variation 5036230 (VCV005036230.1).
Genomic context (GRCh38, chr12:11,869,867, plus strand): 5'-CACTCCGTGGATTTCAAACAGTCCAGGCTCTCCGAGGACGGGCTGCATAGGGAAGGGAAG[C>G]CCATCAACCTCTCTCATCGGGAAGACCTGGCTTACATGAACCACATCATGGTCTCTGTCT-3'
Protein context (NP_001978.1, residues 293-313): SEDGLHREGK[Pro303Ala]INLSHREDLA